The following is an entry in ClinVar:

ClinVar aggregate classification (germline): Conflicting classifications of pathogenicity. Review status: criteria provided, conflicting classifications (1 of 4 stars). 2 submissions from 2 submitters: Likely pathogenic (1); Uncertain significance (1). Last evaluated 2025-01-13.

Conditions:
Deficiency of alpha-mannosidase (MANSA). Also called: Mannosidosis, alpha-, types I and II; LYSOSOMAL ALPHA-D-MANNOSIDASE DEFICIENCY; Alpha-Mannosidosis. Identifiers: Orphanet 61, MedGen C0024748, MONDO:0009561, OMIM 248500.

Submissions (2):

Department of Human Genetics, Hannover Medical School
Classification: Likely pathogenic for Deficiency of alpha-mannosidase. Last evaluated: 2025-01-13. Review status: criteria provided, single submitter. Criteria: ACMG Guidelines, 2015. Collection method: clinical testing. Allele origin: germline. Inheritance: Autosomal recessive inheritance. Affected: yes.
Comment: ACMG: PM2_Supporting, PM3_Supporting, PP3_Moderate, PP4_Strong

MVZ Martinsried, Medicover Genetics
Classification: Uncertain significance for Deficiency of alpha-mannosidase. Last evaluated: 2022-11-28. Review status: criteria provided, single submitter. Criteria: ACGS Guidelines, 2020. Collection method: clinical testing. Allele origin: inherited. Affected: yes.

NM_000528.4(MAN2B1):c.454A>T (p.Asn152Tyr)

Gene: MAN2B1 (mannosidase alpha class 2B member 1; minus strand). Cytogenetic location: 19p13.13.
Variant type: single nucleotide variant.
Coding change: c.454A>T on transcript NM_000528.4 (MANE Select); coding-DNA position 454, A replaced by T.
Protein change: p.Asn152Tyr; replaces asparagine 152 with tyrosine.
Molecular consequence: missense variant.
Genome position (GRCh38, 1-based): chr19:12,664,968, T>A on the plus strand (A>T on the coding strand, the complement: MAN2B1 is on the minus strand). VCF-style: chr19-12664968-T-A. GRCh37 (hg19) VCF-style: chr19-12775782-T-A.
Other names: c.454A>T, p.Asn152Tyr (NM_001173498.2); short protein forms N152Y.
Identifiers: ClinVar variation 1992321 (VCV001992321.2), dbSNP rs2512514994, ClinGen allele CA404255445.
Genomic context (GRCh38, chr19:12,664,968, plus strand): 5'-TCTGGTCCACGATGGCACCGTAGTGGGTGGCTGCCTCATCGTTCATCACCCAGCCACCAT[T>A]GGCGAACTCCAGGCGCCCTGTGCCAGGACAGGCAAGGTCAGGGTCAGCGGTCAGAGCCAG-3'
Protein context (NP_000519.2, residues 142-162): LVRQGRLEFA[Asn152Tyr]GGWVMNDEAA